The following is an entry in ClinVar:

NM_000760.4(CSF3R):c.623C>T (p.Ala208Val)

Gene: CSF3R (colony stimulating factor 3 receptor; minus strand). Cytogenetic location: 1p34.3.
Variant type: single nucleotide variant.
Coding change: c.623C>T on transcript NM_000760.4 (MANE Select); coding-DNA position 623, C replaced by T.
Protein change: p.Ala208Val; replaces alanine 208 with valine.
Molecular consequence: missense variant.
Genome position (GRCh38, 1-based): chr1:36,473,485, G>A on the plus strand (C>T on the coding strand, the complement: CSF3R is on the minus strand). VCF-style: chr1-36473485-G-A. GRCh37 (hg19) VCF-style: chr1-36939086-G-A.
Other names: c.623C>T, p.Ala208Val (NM_156039.3, NM_172313.3); short protein forms A208V.
Identifiers: ClinVar variation 960570 (VCV000960570.9), dbSNP rs372288734, ClinGen allele CA769422.

ClinVar aggregate classification (germline): Uncertain significance (1 of 4 stars; one submission).

Conditions:
Autosomal recessive severe congenital neutropenia due to CSF3R deficiency. Also called: Neutropenia, severe congenital, 7, autosomal recessive. Identifiers: Orphanet 420702, MedGen C4310764, MONDO:0014865, OMIM 617014.

Allele frequency attached by ClinVar (database versions not stated): gnomAD 0.00001 and 0.00002; ExAC 0.00002; gnomAD exomes 0.00002; TOPMed 0.00002; ESP Exome Variant Server 0.00008.
gnomAD v4.1: 53 of 1,613,824 alleles (0.0033%); highest among the groups gnomAD compares: Middle Eastern, 0.016%; no homozygotes.

Submission:

Labcorp Genetics (formerly Invitae), Labcorp
Classification: Uncertain significance for Autosomal recessive severe congenital neutropenia due to CSF3R deficiency. Last evaluated: 2025-05-14. Review status: criteria provided, single submitter. Criteria: Invitae Variant Classification Sherloc (09022015). Collection method: clinical testing. Allele origin: germline.
Comment: This sequence change replaces alanine, which is neutral and non-polar, with valine, which is neutral and non-polar, at codon 208 of the CSF3R protein (p.Ala208Val). This variant is present in population databases (rs372288734, gnomAD 0.007%). This variant has not been reported in the literature in individuals affected with CSF3R-related conditions. ClinVar contains an entry for this variant (Variation ID: 960570). Invitae Evidence Modeling of protein sequence and biophysical properties (such as structural, functional, and spatial information, amino acid conservation, physicochemical variation, residue mobility, and thermodynamic stability) indicates that this missense variant is not expected to disrupt CSF3R protein function with a negative predictive value of 80%. In summary, the available evidence is currently insufficient to determine the role of this variant in disease. Therefore, it has been classified as a Variant of Uncertain Significance.